The following is an entry in ClinVar:

NC_000002.12:g.121530941T>C

Genes: CLASP1 (cytoplasmic linker associated protein 1; minus strand), CLASP1-AS1 (CLASP1 antisense RNA 1; plus strand), RNU4ATAC (RNA, U4atac small nuclear; plus strand). Cytogenetic location: 2q14.2.
Variant type: single nucleotide variant.
Molecular consequence: intron variant (on NM_001395891.1).
Genome position: GRCh38 VCF-style: chr2-121530941-T-C. GRCh37 (hg19) VCF-style: chr2-122288517-T-C.
Other names: c.196-616A>G (NM_001142274.2, NM_015282.3, NM_001378003.1 and 5 more transcripts).
Identifiers: ClinVar variation 1512557 (VCV001512557.3), dbSNP rs1013303035, ClinGen allele CA428888001.

ClinVar aggregate classification (germline): Uncertain significance (1 of 4 stars; one submission).

Allele frequency attached by ClinVar (database versions not stated): gnomAD 0.00001; gnomAD exomes 0.00001; TOPMed 0.00001.
gnomAD v4.1: 7 of 700,320 alleles (0.001%); highest among the groups gnomAD compares: African/African-American, 0.0052%; no homozygotes.

Submission:

Labcorp Genetics (formerly Invitae), Labcorp
Classification: Uncertain significance. Last evaluated: 2022-04-24. Review status: criteria provided, single submitter. Criteria: Invitae Variant Classification Sherloc (09022015). Collection method: clinical testing. Allele origin: germline.
Comment: This variant occurs in the RNU4ATAC gene, which encodes an RNA molecule that does not result in a protein product. This variant is present in population databases (no rsID available, gnomAD 0.007%). This variant has not been reported in the literature in individuals affected with RNU4ATAC-related conditions. Experimental studies and prediction algorithms are not available or were not evaluated, and the functional significance of this variant is currently unknown. In summary, the available evidence is currently insufficient to determine the role of this variant in disease. Therefore, it has been classified as a Variant of Uncertain Significance.